The following is an entry in ClinVar:

ClinVar aggregate classification (germline): Likely benign (1 of 4 stars; one submission).

Allele frequency attached by ClinVar (database versions not stated): gnomAD exomes below 0.00001.
gnomAD v4.1: 1 of 1,613,428 alleles (0.000062%); highest among the groups gnomAD compares: Non-Finnish European, 0.000085%; no homozygotes.

Submission:

Laboratory for Molecular Medicine, Mass General Brigham Personalized Medicine
Classification: Likely benign. Last evaluated: 2015-06-09. Review status: criteria provided, single submitter. Criteria: LMM Criteria. Collection method: clinical testing. Allele origin: germline. Observed: 1 variant allele.
Comment: p.Lys5220Lys in exon45A of TTN: This variant is not expected to have clinical si gnificance because it does not alter an amino acid residue and is not located wi thin the splice consensus sequence.

NM_133379.5(TTN):c.15660A>G (p.Lys5220=)

Gene: TTN (titin; minus strand). Cytogenetic location: 2q31.2.
Variant type: single nucleotide variant.
Coding change: c.15660A>G on transcript NM_133379.5; coding-DNA position 15660, A replaced by G.
Protein change: p.Lys5220=; no amino-acid change (lysine 5220 retained).
Molecular consequence: synonymous variant. On other transcripts: intron variant (6).
Genome position (GRCh38, 1-based): chr2:178,746,740, T>C on the plus strand (A>G on the coding strand, the complement: TTN is on the minus strand). VCF-style: chr2-178746740-T-C. GRCh37 (hg19) VCF-style: chr2-179611467-T-C.
Other names: c.10223-4819A>G (NM_003319.4); c.10799-4819A>G (NM_133437.4); c.10598-4819A>G (NM_133432.3); c.10360+6384A>G (NM_133378.4); c.10361-4819A>G (NM_001256850.1); c.11312-4819A>G (NM_001267550.2).
Identifiers: ClinVar variation 228186 (VCV000228186.5), dbSNP rs876657621, ClinGen allele CA10576563.